The following is an entry in ClinVar:

NM_016495.6(TBC1D7):c.6dup (p.Glu3Ter)

Genes: TBC1D7 (TBC1 domain family member 7; minus strand), TBC1D7-LOC100130357 (TBC1D7-LOC100130357 readthrough; minus strand). Cytogenetic location: 6p24.1.
Variant type: Duplication.
Coding change: c.6dup on transcript NM_016495.6 (MANE Select); coding-DNA position 6, one base duplicated (T; older notation c.6dupT).
Protein change: p.Glu3Ter; replaces glutamic acid 3 with a stop codon.
Molecular consequence: nonsense. On other transcripts: non-coding transcript variant (1).
Genome position (GRCh38, 1-based): chr6:13,326,893, A duplicated on the plus strand (T on the coding strand, the reverse complement: TBC1D7 is on the minus strand). VCF-style (leftmost placement, unchanged base first): chr6-13326892-C-CA. GRCh37 (hg19) VCF-style: chr6-13327124-C-CA.
Other names: c.6dup, p.Glu3Ter (NM_001318809.2, NM_001143964.4, NM_001143965.4 and 4 more transcripts); short protein forms E3*.
Identifiers: ClinVar variation 2636487 (VCV002636487.1), dbSNP rs2480607197, ClinGen allele CA2578532169.

ClinVar aggregate classification (germline): Uncertain significance (1 of 4 stars; one submission).

Conditions:
TBC1D7-related disorder. Also called: TBC1D7-related condition.

Submission:

PreventionGenetics, part of Exact Sciences
Classification: Uncertain significance for TBC1D7-related condition. Last evaluated: 2022-08-29. Review status: criteria provided, single submitter. Criteria: ACMG Guidelines, 2015. Collection method: clinical testing. Allele origin: germline.
Comment: The TBC1D7 c.6dupT variant is predicted to result in premature protein termination (p.Glu3*). To our knowledge, this variant has not been reported in the literature or in a large population database, indicating it is rare. A different frame shift variant, downstream of nucleotide 6, was reported in the homozygous state in siblings with intellectual disability, macrocephaly, and other features (Alfaiz et al. 2014. PubMed ID: 24515783). However, premature termination has not been definitively established as a mechanism of TBC1D7-related disease. Although we suspect that this variant may be pathogenic for autosomal recessive disease, at this time, the clinical significance is uncertain due to the absence of conclusive functional and genetic evidence.